The following is an entry in ClinVar:

ClinVar aggregate classification (germline): Uncertain significance (1 of 4 stars; one submission).

Conditions:
Cardiovascular phenotype. Identifiers: MedGen CN230736.

Submission:

Ambry Genetics
Classification: Uncertain significance for Cardiovascular phenotype. Last evaluated: 2024-09-08. Review status: criteria provided, single submitter. Criteria: Ambry Variant Classification Scheme 2023. Collection method: clinical testing. Allele origin: germline.
Comment: The p.M718V variant (also known as c.2152A>G), located in coding exon 16 of the RASA1 gene, results from an A to G substitution at nucleotide position 2152. The methionine at codon 718 is replaced by valine, an amino acid with highly similar properties. This amino acid position is conserved. In addition, the in silico prediction for this alteration is inconclusive. Based on the available evidence, the clinical significance of this variant remains unclear.

NM_002890.3(RASA1):c.2152A>G (p.Met718Val)

Genes: CCNH (cyclin H; minus strand), RASA1 (RAS p21 protein activator 1; plus strand). Cytogenetic location: 5q14.3.
Variant type: single nucleotide variant.
Coding change: c.2152A>G on transcript NM_002890.3 (MANE Select); coding-DNA position 2152, A replaced by G.
Protein change: p.Met718Val; replaces methionine 718 with valine.
Molecular consequence: missense variant. On other transcripts: intron variant (1).
Genome position (GRCh38, 1-based): chr5:87,376,533, A>G. VCF-style: chr5-87376533-A-G. GRCh37 (hg19) VCF-style: chr5-86672350-A-G.
Other names: c.1621A>G, p.Met541Val (NM_022650.3); c.933+18511T>C (NM_001364075.2); short protein forms M718V, M541V.
Identifiers: ClinVar variation 3430446 (VCV003430446.1).
Genomic context (GRCh38, chr5:87,376,533, plus strand): 5'-TTAAAAGGTATTGAACCAGGGTCCCTGCGTGTTCGAGCACGATACTCTATGGAAAAAATC[A>G]TGCCAGAAGAAGAGTACAGTGAATTTAAAGAGGTATTAAATTATTTATCAGTCTTGTTTT-3'
Protein context (NP_002881.1, residues 708-728): VRARYSMEKI[Met718Val]PEEEYSEFKE